The following is an entry in ClinVar:

ClinVar aggregate classification (germline): Likely benign (1 of 4 stars; one submission).

Conditions:
NRXN3-related disorder. Also called: NRXN3-related condition.

gnomAD v4.1: 127 of 1,598,326 alleles (0.0079%); highest among the groups gnomAD compares: Admixed American, 0.02%; no homozygotes.

Submission:

PreventionGenetics, part of Exact Sciences
Classification: Likely benign for NRXN3-related condition. Last evaluated: 2025-03-13. Review status: criteria provided, single submitter. Criteria: ACMG Guidelines, 2015. Collection method: clinical testing. Allele origin: germline.
Comment: This variant is classified as likely benign based on ACMG/AMP sequence variant interpretation guidelines (Richards et al. 2015 PMID: 25741868, with internal and published modifications).

NM_001330195.2(NRXN3):c.510C>T (p.Pro170=)

Gene: NRXN3 (neurexin 3; plus strand). Cytogenetic location: 14q24.3.
Variant type: single nucleotide variant.
Coding change: c.510C>T on transcript NM_001330195.2 (MANE Select); coding-DNA position 510, C replaced by T.
Protein change: p.Pro170=; no amino-acid change (proline 170 retained).
Molecular consequence: synonymous variant. On other transcripts: non-coding transcript variant (4).
Genome position (GRCh38, 1-based): chr14:78,243,603, C>T. VCF-style: chr14-78243603-C-T. GRCh37 (hg19) VCF-style: chr14-78709946-C-T.
Other names: c.510C>T, p.Pro170= (NM_001366425.1, NM_001366426.1).
Identifiers: ClinVar variation 4983969 (VCV004983969.1).